The following is an entry in ClinVar:

ClinVar aggregate classification (germline): Uncertain significance. Review status: criteria provided, multiple submitters, no conflicts (2 of 4 stars). 2 submissions from 2 submitters: Uncertain significance (2). Last evaluated 2026-06-27.

Conditions:
GNAS-related disorder. Identifiers: MedGen CN380105.

gnomAD v4.1: 4 of 1,533,132 alleles (0.00026%); highest among the groups gnomAD compares: Admixed American, 0.0059%; no homozygotes.

Submissions (2):

PreventionGenetics, part of Exact Sciences
Classification: Uncertain significance for GNAS-related condition. Last evaluated: 2026-06-27. Review status: criteria provided, single submitter. Criteria: ACMG Guidelines, 2015. Collection method: clinical testing. Allele origin: germline.
Comment: The GNAS c.1448G>T variant is predicted to result in the amino acid substitution p.Arg483Leu. This variant is also referred to as c.-37014G>T with the commonly reported NM_000516 transcript. To our knowledge, this variant has not been reported in the literature. This variant is reported in 0.0082% of alleles in individuals of Latino descent in gnomAD. At this time, the clinical significance of this variant is uncertain due to the absence of conclusive functional and genetic evidence.

Blueprint Genetics
Classification: Uncertain significance. Last evaluated: 2024-07-15. Review status: criteria provided, single submitter. Criteria: ACMG Guidelines, 2015. Collection method: clinical testing. Allele origin: germline.

NM_080425.4(GNAS):c.1448G>T (p.Arg483Leu)

Gene: GNAS (GNAS complex locus; plus strand). Cytogenetic location: 20q13.32.
Variant type: single nucleotide variant.
Coding change: c.1448G>T on transcript NM_080425.4 (MANE Plus Clinical); coding-DNA position 1448, G replaced by T.
Protein change: p.Arg483Leu; replaces arginine 483 with leucine.
Molecular consequence: missense variant. On other transcripts: intron variant (3).
Genome position (GRCh38, 1-based): chr20:58,854,713, G>T. VCF-style: chr20-58854713-G-T. GRCh37 (hg19) VCF-style: chr20-57429768-G-T.
Other names: c.-39+12838G>T (NM_001309861.2); c.1261G>T, p.Gly421Trp (NM_001077490.3, NM_001309883.1); c.1448G>T, p.Arg483Leu (NM_001410913.1); c.*42+13827G>T (NM_016592.5); c.43+13827G>T (NM_001410912.1); short protein forms G421W, R483L.
Identifiers: ClinVar variation 3352131 (VCV003352131.3).